The following is an entry in ClinVar:

ClinVar aggregate classification (germline): Uncertain significance (0 of 4 stars; one submission).

Conditions:
LEPR-related disorder. Also called: LEPR-related condition; LEPR-related disorders.

Submission:

PreventionGenetics, part of Exact Sciences
Classification: Uncertain significance for LEPR-related condition. Last evaluated: 2024-08-16. Review status: no assertion criteria provided. Collection method: clinical testing. Allele origin: germline.
Comment: The LEPR c.2045A>G variant is predicted to result in the amino acid substitution p.Asn682Ser. To our knowledge, this variant has not been reported in the literature or in a large population database, indicating this variant is rare. At this time, the clinical significance of this variant is uncertain due to the absence of conclusive functional and genetic evidence.

NM_002303.6(LEPR):c.2045A>G (p.Asn682Ser)

Genes: LEPR (leptin receptor; plus strand), LOC122094844 (Sharpr-MPRA regulatory region 5730; plus strand). Cytogenetic location: 1p31.3.
Variant type: single nucleotide variant.
Coding change: c.2045A>G on transcript NM_002303.6 (MANE Select); coding-DNA position 2045, A replaced by G.
Protein change: p.Asn682Ser; replaces asparagine 682 with serine.
Molecular consequence: missense variant.
Genome position (GRCh38, 1-based): chr1:65,616,057, A>G. VCF-style: chr1-65616057-A-G. GRCh37 (hg19) VCF-style: chr1-66081740-A-G.
Other names: c.2045A>G, p.Asn682Ser (NM_001003679.3, NM_001003680.3, NM_001198687.2 and 2 more transcripts); short protein forms N682S.
Identifiers: ClinVar variation 3345979 (VCV003345979.1).